The following is an entry in ClinVar:

NM_002474.3(MYH11):c.5420C>G (p.Ala1807Gly)

Genes: MYH11 (myosin heavy chain 11; minus strand), NDE1 (nudE neurodevelopment protein 1; plus strand). Cytogenetic location: 16p13.11.
Variant type: single nucleotide variant.
Coding change: c.5420C>G on transcript NM_002474.3 (MANE Select); coding-DNA position 5420, C replaced by G.
Protein change: p.Ala1807Gly; replaces alanine 1807 with glycine.
Molecular consequence: missense variant. On other transcripts: intron variant (2).
Genome position (GRCh38, 1-based): chr16:15,717,224, G>C on the plus strand (C>G on the coding strand, the complement: MYH11 is on the minus strand). VCF-style: chr16-15717224-G-C. GRCh37 (hg19) VCF-style: chr16-15811081-G-C.
Other names: c.5441C>G, p.Ala1814Gly (NM_001040113.2, NM_001040114.2); c.5420C>G, p.Ala1807Gly (NM_022844.3); c.948-6967G>C (NM_001143979.2, NM_017668.3); c.5420C>G (NM_002474.2); short protein forms A1807G, A1814G.
Identifiers: ClinVar variation 3709427 (VCV003709427.4).

ClinVar aggregate classification (germline): Uncertain significance. Review status: criteria provided, multiple submitters, no conflicts (2 of 4 stars). 3 submissions from 3 submitters: Uncertain significance (3). Last evaluated 2026-07-07.

Conditions:
Aortic aneurysm, familial thoracic 4 (AAT4). Also called: AORTIC ANEURYSM/AORTIC DISSECTION AND PATENT DUCTUS ARTERIOSUS. Identifiers: MedGen C1851504, MONDO:0007568, OMIM 132900.
Familial thoracic aortic aneurysm and aortic dissection (TAAD). Also called: Thoracic aortic aneurysms and dissections. Identifiers: Orphanet 91387, MedGen C4707243, MONDO:0019625.

gnomAD v4.1: 1 of 1,614,160 alleles (0.000062%); highest among the groups gnomAD compares: South Asian, 0.0011%; no homozygotes.

Submissions (3):

Ambry Genetics
Classification: Uncertain significance for Familial thoracic aortic aneurysm and aortic dissection. Last evaluated: 2026-07-07. Review status: criteria provided, single submitter. Criteria: Ambry Variant Classification Scheme 2023. Collection method: clinical testing. Allele origin: germline.
Comment: The p.A1807G variant (also known as c.5420C>G), located in coding exon 37 of the MYH11 gene, results from a C to G substitution at nucleotide position 5420. The alanine at codon 1807 is replaced by glycine, an amino acid with similar properties. This amino acid position is conserved. In addition, this alteration is predicted to be tolerated by in silico analysis. Based on the available evidence, the clinical significance of this variant remains unclear.

Labcorp Genetics (formerly Invitae), Labcorp
Classification: Uncertain significance for Aortic aneurysm, familial thoracic 4. Last evaluated: 2024-10-21. Review status: criteria provided, single submitter. Criteria: Invitae Variant Classification Sherloc (09022015). Collection method: clinical testing. Allele origin: germline.
Comment: This sequence change replaces alanine, which is neutral and non-polar, with glycine, which is neutral and non-polar, at codon 1814 of the MYH11 protein (p.Ala1814Gly). This variant is present in population databases (rs777194780, gnomAD 0.003%). This variant has not been reported in the literature in individuals affected with MYH11-related conditions. Invitae Evidence Modeling of protein sequence and biophysical properties (such as structural, functional, and spatial information, amino acid conservation, physicochemical variation, residue mobility, and thermodynamic stability) indicates that this missense variant is not expected to disrupt MYH11 protein function with a negative predictive value of 95%. In summary, the available evidence is currently insufficient to determine the role of this variant in disease. Therefore, it has been classified as a Variant of Uncertain Significance.

Color Diagnostics, LLC DBA Color Health
Classification: Uncertain significance for Familial thoracic aortic aneurysm and aortic dissection. Last evaluated: 2024-03-05. Review status: criteria provided, single submitter. Criteria: ACMG Guidelines, 2015. Collection method: clinical testing. Allele origin: germline.
Comment: This missense variant replaces alanine with glycine at codon 1814 of the MYH11 protein. Computational prediction suggests that this variant may not impact protein structure and function (internally defined REVEL score threshold <= 0.5, PMID: 27666373). To our knowledge, functional studies have not been reported for this variant. This variant has not been reported in individuals affected with MYH11-related disorders in the literature. This variant has been identified in 3/251312 chromosomes in the general population by the Genome Aggregation Database (gnomAD). The available evidence is insufficient to determine the role of this variant in disease conclusively. Therefore, this variant is classified as a Variant of Uncertain Significance.